The following is an entry in ClinVar:

NM_000784.4(CYP27A1):c.434G>A (p.Gly145Glu)

Gene: CYP27A1 (cytochrome P450 family 27 subfamily A member 1; plus strand). Cytogenetic location: 2q35.
Variant type: single nucleotide variant.
Coding change: c.434G>A on transcript NM_000784.4 (MANE Select); coding-DNA position 434, G replaced by A.
Protein change: p.Gly145Glu; replaces glycine 145 with glutamic acid.
Molecular consequence: missense variant.
Genome position (GRCh38, 1-based): chr2:218,809,755, G>A. VCF-style: chr2-218809755-G-A. GRCh37 (hg19) VCF-style: chr2-219674478-G-A.
Other names: G112E; c.434G>A; short protein forms G145E.
Identifiers: ClinVar variation 4264 (VCV000004264.4), dbSNP rs72551313, ClinGen allele CA340219.

ClinVar aggregate classification (germline): Pathogenic. Review status: no assertion criteria provided (0 of 4 stars). 2 submissions from 2 submitters: Pathogenic (2). Last evaluated 2013-08-01.

Conditions:
Cholestanol storage disease (CTX). Also called: CTX: Cerebrotendinous xanthomatosis; CEREBRAL CHOLESTERINOSIS; Cerebrotendinous Xanthomatosis. Identifiers: Orphanet 909, MedGen C0238052, MONDO:0008948, OMIM 213700.

gnomAD v4.1: 1 of 1,613,266 alleles (0.000062%); no homozygotes.

Submissions (2):

GeneReviews
Classification: Pathogenic for Cerebrotendinous Xanthomatosis. Last evaluated: 2013-08-01. Review status: no assertion criteria provided. Collection method: curation. Allele origin: unknown.
ClinVar note: Converted during submission from pathologic to Pathogenic.

OMIM
Classification: Pathogenic for CEREBROTENDINOUS XANTHOMATOSIS. Last evaluated: 2002-03-01. Review status: no assertion criteria provided. Collection method: literature only. Allele origin: germline.

Literature cited by the submitters: PubMed 12000359 (cited by OMIM).